The following is an entry in ClinVar:

NM_014159.7(SETD2):c.68C>G (p.Pro23Arg)

Genes: SETD2 (SET domain containing 2, histone lysine methyltransferase; minus strand), LOC129936665 (ATAC-STARR-seq lymphoblastoid silent region 14306; plus strand). Cytogenetic location: 3p21.31.
Variant type: single nucleotide variant.
Coding change: c.68C>G on transcript NM_014159.7 (MANE Select); coding-DNA position 68, C replaced by G.
Protein change: p.Pro23Arg; replaces proline 23 with arginine.
Molecular consequence: missense variant. On other transcripts: 5 prime UTR variant (1), non-coding transcript variant (1).
Genome position (GRCh38, 1-based): chr3:47,163,857, G>C on the plus strand (C>G on the coding strand, the complement: SETD2 is on the minus strand). VCF-style: chr3-47163857-G-C. GRCh37 (hg19) VCF-style: chr3-47205347-G-C.
Other names: c.-49C>G (NM_001349370.3); short protein forms P23R.
Identifiers: ClinVar variation 859857 (VCV000859857.9), dbSNP rs892374525, ClinGen allele CA352512333.

ClinVar aggregate classification (germline): Uncertain significance. Review status: criteria provided, multiple submitters, no conflicts (2 of 4 stars). 4 submissions from 4 submitters: Uncertain significance (4). Last evaluated 2024-11-27.

Conditions:
SETD2-related neurodevelopmental disorder without or with macrocephaly/overgrowth. Identifiers: MedGen CN375935, MONDO:0800477.
Luscan-Lumish syndrome. Identifiers: Orphanet 597738, MedGen C4085873, MONDO:0014791, OMIM 616831.

Allele frequency attached by ClinVar (database versions not stated): gnomAD 0.00001; TOPMed 0.00001.
gnomAD v4.1: 15 of 1,306,062 alleles (0.0011%); highest among the groups gnomAD compares: Non-Finnish European, 0.0014%; no homozygotes.

Submissions (4):

Clinical Genomics Laboratory, Washington University in St. Louis
Classification: Uncertain significance for SETD2-related neurodevelopmental disorder without or with macrocephaly/overgrowth. Last evaluated: 2024-11-27. Review status: criteria provided, single submitter. Criteria: ACMG Guidelines, 2015. Collection method: clinical testing. Allele origin: germline.
Comment: The SETD2 c.68C>G (p.Pro23Arg) variant, to our knowledge, has not been reported in the medical literature. This variant is observed on 15/1,306,062 alleles in the general population (gnomAD v.4.1.0). Computational predictors suggest that the variant does not impact SETD2 structure and function but may affect RNA splicing. No functional studies have been published to confirm these predictions. Due to limited information, and based on ACMG/AMP guidelines for variant interpretation (Richards S et al., PMID: 25741868), the clinical significance of this variant is uncertain at this time.

Genome-Nilou Lab
Classification: Uncertain significance for Luscan-Lumish syndrome. Last evaluated: 2022-03-15. Review status: criteria provided, single submitter. Criteria: ACMG Guidelines, 2015. Collection method: clinical testing. Allele origin: germline. Affected: no.

Labcorp Genetics (formerly Invitae), Labcorp
Classification: Uncertain significance for Luscan-Lumish syndrome. Last evaluated: 2019-05-29. Review status: criteria provided, single submitter. Criteria: Invitae Variant Classification Sherloc (09022015). Collection method: clinical testing. Allele origin: germline.
Comment: In summary, the available evidence is currently insufficient to determine the role of this variant in disease. Therefore, it has been classified as a Variant of Uncertain Significance. Algorithms developed to predict the effect of sequence changes on RNA splicing suggest that this variant may create or strengthen a splice site, but this prediction has not been confirmed by published transcriptional studies. Algorithms developed to predict the effect of missense changes on protein structure and function (SIFT, PolyPhen-2, Align-GVGD) all suggest that this variant is likely to be tolerated, but these predictions have not been confirmed by published functional studies and their clinical significance is uncertain. This variant has not been reported in the literature in individuals with SETD2-related conditions. This variant is not present in population databases (ExAC no frequency). This sequence change replaces proline with arginine at codon 23 of the SETD2 protein (p.Pro23Arg). The proline residue is weakly conserved and there is a moderate physicochemical difference between proline and arginine.

Baylor Genetics
Classification: Uncertain significance for Luscan-Lumish syndrome. Last evaluated: 2018-03-12. Review status: criteria provided, single submitter. Criteria: ACMG Guidelines, 2015. Collection method: clinical testing. Allele origin: unknown. Affected: yes.
Comment: This variant was determined to be of uncertain significance according to ACMG Guidelines, 2015 [PMID:25741868].